The following is an entry in ClinVar:

NM_001378454.1(ALMS1):c.6854G>C (p.Arg2285Pro)

Gene: ALMS1 (ALMS1 centrosome and basal body associated protein; plus strand). Cytogenetic location: 2p13.1.
Variant type: single nucleotide variant.
Coding change: c.6854G>C on transcript NM_001378454.1 (MANE Select); coding-DNA position 6854, G replaced by C.
Protein change: p.Arg2285Pro; replaces arginine 2285 with proline.
Molecular consequence: missense variant.
Genome position (GRCh38, 1-based): chr2:73,453,381, G>C. VCF-style: chr2-73453381-G-C. GRCh37 (hg19) VCF-style: chr2-73680508-G-C.
Other names: c.6857G>C, p.Arg2286Pro (NM_015120.4); short protein forms R2286P, R2285P.
Identifiers: ClinVar variation 383760 (VCV000383760.30), dbSNP rs6546839, ClinGen allele CA1714138.
Genomic context (GRCh38, chr2:73,453,381, plus strand): 5'-TTTTGATGGAGGCAGAAAATATGGCACTGAAACGATGCAATTTTCCTGCTCCCCTTGCCC[G>C]TTTCAGAGATATTAGTGATATTTCATTTATACAATCTAAGAAGGTGGTTTGCTTCAAAGA-3'
Protein context (NP_001365383.1, residues 2275-2295): KRCNFPAPLA[Arg2285Pro]FRDISDISFI

ClinVar aggregate classification (germline): Benign. Review status: criteria provided, multiple submitters, no conflicts (2 of 4 stars). 13 submissions from 13 submitters: Benign (10). 3 of the submissions do not count toward it. Last evaluated 2026-02-04.

Conditions:
Cardiovascular phenotype. Identifiers: MedGen CN230736.
Early onset severe obesity. Identifiers: MedGen C4013980.
Alstrom syndrome (ALMS). Identifiers: Orphanet 64, MedGen C0268425, MONDO:0008763, OMIM 203800.

Allele frequency attached by ClinVar (database versions not stated): 1000 Genomes Project 0.36442; gnomAD 0.38002; 1000 Genomes Project 30x 0.38226; ESP Exome Variant Server 0.39545; TOPMed 0.41580.
gnomAD v4.1: 415,580 of 1,613,278 alleles (26%); highest among the groups gnomAD compares: African/African-American, 77%; 66,720 homozygotes.

Submissions (15):

Labcorp Genetics (formerly Invitae), Labcorp
Classification: Benign for Alstrom syndrome. Last evaluated: 2026-02-04. Review status: criteria provided, single submitter. Criteria: Invitae Variant Classification Sherloc (09022015). Collection method: clinical testing. Allele origin: germline.

Blueprint Genetics
Classification: Benign. Last evaluated: 2024-11-26. Review status: criteria provided, single submitter. Criteria: ACMG Guidelines, 2015. Collection method: clinical testing. Allele origin: germline.

Cambridge Genomics Laboratory, East Genomic Laboratory Hub, NHS Genomic Medicine Service
Classification: Benign for Severe early-onset obesity. Last evaluated: 2023-08-09. Review status: criteria provided, single submitter. Criteria: ACGS Best Practice Guidelines for Variant Classification in Rare Disease 2020. Collection method: clinical testing. Allele origin: germline. Affected: yes.
Comment: The p.(Arg2285Pro) variant is observed in 12.120/15.456 (78.4161%) alleles from individuals of gnomAD African background in gnomAD All. The p.(Arg2285Pro) variant is observed in 1.825/5.008 (36.4417%) alleles from individuals of 1kG All background in 1kG All. The p.(Arg2285Pro) variant is observed in 31.653/41.224 (76.7829%) alleles from individuals of gnomAD Genomes v3 African background in gnomAD Genomes v3, indicating it is a common benign variant. (BA1 - Standalone)

Genome-Nilou Lab
Classification: Benign for Alstrom syndrome. Last evaluated: 2021-07-14. Review status: criteria provided, single submitter. Criteria: ACMG Guidelines, 2015. Collection method: clinical testing. Allele origin: germline. Affected: no.

Fulgent Genetics
Classification: Benign for Alstrom syndrome. Last evaluated: 2021-07-01. Review status: criteria provided, single submitter. Criteria: ACMG Guidelines, 2015. Collection method: clinical testing. Allele origin: unknown.

Mendelics
Classification: Benign for Alstrom syndrome. Last evaluated: 2019-05-28. Review status: criteria provided, single submitter. Criteria: Mendelics Assertion Criteria 2017. Collection method: clinical testing. Allele origin: unknown.

Ambry Genetics
Classification: Benign for Cardiovascular phenotype. Last evaluated: 2018-12-21. Review status: criteria provided, single submitter. Criteria: Ambry Variant Classification Scheme 2023. Collection method: clinical testing. Allele origin: germline.

GeneDx
Classification: Benign. Last evaluated: 2016-09-09. Review status: criteria provided, single submitter. Criteria: GeneDx Variant Classification (06012015). Collection method: clinical testing. Allele origin: germline. Affected: yes.
Comment: This variant is considered likely benign or benign based on one or more of the following criteria: it is a conservative change, it occurs at a poorly conserved position in the protein, it is predicted to be benign by multiple in silico algorithms, and/or has population frequency not consistent with disease.

Laboratory for Molecular Medicine, Mass General Brigham Personalized Medicine
Classification: Benign. Last evaluated: 2016-03-21. Review status: criteria provided, single submitter. Criteria: LMM Criteria. Collection method: clinical testing. Allele origin: germline. Observed: 141 variant alleles.
Comment: p.Arg2284Pro in exon 8 of ALMS1: This variant is not expected to have clinical s ignificance because it has been identified in 87.82% (1161/1322) of African chro mosomes by the 1000 Genomes Project (Phase 3; dbSNP rs6546839).

Breakthrough Genomics
Classification: Benign. Review status: criteria provided, single submitter. Criteria: ACMG Guidelines, 2015. Collection method: not provided. Allele origin: germline. Inheritance: Autosomal recessive inheritance. Affected: yes.

Natera, Inc.
Classification: Benign for Alstrom syndrome. Last evaluated: 2020-09-16. Review status: no assertion criteria provided. Collection method: clinical testing. Allele origin: germline. Not counted in ClinVar's aggregate classification.

Clinical Genetics, Academic Medical Center
Classification: Benign. Review status: no assertion criteria provided. Collection method: clinical testing. Allele origin: germline. Affected: yes. Study: VKGL Data-share Consensus. Not counted in ClinVar's aggregate classification.

Diagnostic Laboratory, Department of Genetics, University Medical Center Groningen
Classification: Benign. Review status: no assertion criteria provided. Collection method: clinical testing. Allele origin: germline. Affected: yes. Study: VKGL Data-share Consensus. Not counted in ClinVar's aggregate classification.

Dr. Peter K. Rogan Lab, Western University
No classification provided (evidence only). Condition: Malignant lymphoma, large B-cell, diffuse. Review status: no classification provided. Collection method: in vitro. Allele origin: not applicable. Functional consequence: retained intron. Not counted in ClinVar's aggregate classification.

Dr. Peter K. Rogan Lab, Western University
No classification provided (evidence only). Condition: Malignant lymphoma, large B-cell, diffuse. Review status: no classification provided. Collection method: in vitro. Allele origin: not applicable. Functional consequence: retained intron. Not counted in ClinVar's aggregate classification.